The following is an entry in ClinVar:

ClinVar aggregate classification (germline): Uncertain significance (1 of 4 stars; one submission).

Submission:

CeGaT Center for Human Genetics Tuebingen
Classification: Uncertain significance. Last evaluated: 2024-01-01. Review status: criteria provided, single submitter. Criteria: CeGaT Center For Human Genetics Tuebingen Variant Classification Criteria Version 2. Collection method: clinical testing. Allele origin: germline. Affected: yes. Observed: 1 variant allele.
Comment: ASH1L: PM2

NM_018489.3(ASH1L):c.4650A>G (p.Ile1550Met)

Gene: ASH1L (ASH1 like histone lysine methyltransferase; minus strand). Cytogenetic location: 1q22.
Variant type: single nucleotide variant.
Coding change: c.4650A>G on transcript NM_018489.3 (MANE Select); coding-DNA position 4650, A replaced by G.
Protein change: p.Ile1550Met; replaces isoleucine 1550 with methionine.
Molecular consequence: missense variant.
Genome position (GRCh38, 1-based): chr1:155,478,220, T>C on the plus strand (A>G on the coding strand, the complement: ASH1L is on the minus strand). VCF-style: chr1-155478220-T-C. GRCh37 (hg19) VCF-style: chr1-155448011-T-C.
Other names: c.4650A>G, p.Ile1550Met (NM_001366177.2); short protein forms I1550M.
Identifiers: ClinVar variation 3025655 (VCV003025655.22), dbSNP rs2527146216, ClinGen allele CA342699929.
Genomic context (GRCh38, chr1:155,478,220, plus strand): 5'-TCCCAAGGCCAATGGACTAGATTCTGAAGGCTCTCGGTGGACCCACTGTTCCTCTCTGTT[T>C]ATTAAGCTTTTTGAAGGAGAGAGATGAGGGCAGGACATGTGACAACGGTGCTTTTCCTTA-3'
Protein context (NP_060959.2, residues 1540-1560): CPHLSPSKSL[Ile1550Met]NREEQWVHRE